The following is an entry in ClinVar:

NM_001330078.2(NRXN1):c.3718+11G>A

Gene: NRXN1 (neurexin 1; minus strand). Cytogenetic location: 2p16.3.
Variant type: single nucleotide variant.
Coding change: c.3718+11G>A on transcript NM_001330078.2 (MANE Select); 11 bases into the intron after coding-DNA position 3718, G replaced by A.
Molecular consequence: intron variant.
Genome position (GRCh38, 1-based): chr2:50,091,312, C>T on the plus strand (G>A on the coding strand, the complement: NRXN1 is on the minus strand). VCF-style: chr2-50091312-C-T. GRCh37 (hg19) VCF-style: chr2-50318450-C-T.
Other names: c.3607+11G>A (NM_001330096.2, NM_001330087.2); c.3652+11G>A (NM_001330083.2, NM_001330084.2); c.3637+11G>A (NM_001330088.2); c.3715+11G>A (NM_001330093.2); c.3706+11G>A (NM_001330094.2); c.3667+11G>A (NM_001330095.2); c.3694+11G>A (NM_001330082.2, NM_001330077.2); c.3691+11G>A (NM_001330085.2); and 3 more.
Identifiers: ClinVar variation 386672 (VCV000386672.1), dbSNP rs1057522566, ClinGen allele CA16604339.
Genomic context (GRCh38, chr2:50,091,312, plus strand): 5'-TGCAAAACAGTGCTTTTTCTTCCAGTTTGTTTTTCATAAAATCTTCCCCCGATACATATT[C>T]ACTTGCTTACCTGCAGGGTAGCGCTCGATCACTGGCCAGCTGTCCACCTGCAACGTGGCA-3'

ClinVar aggregate classification (germline): Likely benign (1 of 4 stars; one submission).

Submission:

GeneDx
Classification: Likely benign. Last evaluated: 2016-06-06. Review status: criteria provided, single submitter. Criteria: GeneDx Variant Classification (06012015). Collection method: clinical testing. Allele origin: germline. Affected: yes.
Comment: This variant is considered likely benign or benign based on one or more of the following criteria: it is a conservative change, it occurs at a poorly conserved position in the protein, it is predicted to be benign by multiple in silico algorithms, and/or has population frequency not consistent with disease.